The following is an entry in ClinVar:

ClinVar aggregate classification (germline): Conflicting classifications of pathogenicity. Review status: criteria provided, conflicting classifications (1 of 4 stars). 3 submissions from 3 submitters: Uncertain significance (1); Likely benign (2). Last evaluated 2025-08-22.

Conditions:
HOXA2-related disorder. Also called: HOXA2-related condition.
Bilateral microtia-deafness-cleft palate syndrome. Identifiers: Orphanet 140963, MedGen C2676772, MONDO:0012854, OMIM 612290.

Allele frequency attached by ClinVar (database versions not stated): 1000 Genomes Project 30x 0.00016; 1000 Genomes Project 0.00020; ESP Exome Variant Server 0.00062; TOPMed 0.00074; gnomAD 0.00088 and 0.00091.
gnomAD v4.1: 1,533 of 1,614,204 alleles (0.095%); highest among the groups gnomAD compares: Non-Finnish European, 0.1%; 2 homozygotes.

Submissions (3):

Mayo Clinic Laboratories, Mayo Clinic
Classification: Likely benign. Last evaluated: 2025-08-22. Review status: criteria provided, single submitter. Criteria: ACMG Guidelines, 2015. Collection method: clinical testing. Allele origin: germline. Observed: 1 variant allele.
Comment: BS1_supporting, BP4

PreventionGenetics, part of Exact Sciences
Classification: Likely benign for HOXA2-related condition. Last evaluated: 2024-11-05. Review status: criteria provided, single submitter. Criteria: ACMG Guidelines, 2015. Collection method: clinical testing. Allele origin: germline.
Comment: This variant is classified as likely benign based on ACMG/AMP sequence variant interpretation guidelines (Richards et al. 2015 PMID: 25741868, with internal and published modifications).

Illumina Laboratory Services, Illumina
Classification: Uncertain significance for Bilateral microtia-deafness-cleft palate syndrome. Last evaluated: 2017-04-27. Review status: criteria provided, single submitter. Criteria: ICSL Variant Classification Criteria 13 December 2019. Collection method: clinical testing. Allele origin: germline.
Comment: This variant was observed as part of a predisposition screen in an ostensibly healthy population. A literature search was performed for the gene, cDNA change, and amino acid change (where applicable). Publications were found based on this search. However, the evidence from the literature, in combination with allele frequency data from public databases where available, was not sufficient to rule this variant in or out of causing disease. Therefore, this variant is classified as a variant of unknown significance.

Literature cited by the submitters: PubMed 25691070 (cited by Mayo Clinic Laboratories, Mayo Clinic and Illumina Laboratory Services, Illumina); PubMed 27941554 (cited by Mayo Clinic Laboratories, Mayo Clinic); PubMed 39257274 (cited by Mayo Clinic Laboratories, Mayo Clinic).

NM_006735.4(HOXA2):c.979G>A (p.Val327Ile)

Gene: HOXA2 (homeobox A2; minus strand). Cytogenetic location: 7p15.2.
Variant type: single nucleotide variant.
Coding change: c.979G>A on transcript NM_006735.4 (MANE Select); coding-DNA position 979, G replaced by A.
Protein change: p.Val327Ile; replaces valine 327 with isoleucine.
Molecular consequence: missense variant.
Genome position (GRCh38, 1-based): chr7:27,100,878, C>T on the plus strand (G>A on the coding strand, the complement: HOXA2 is on the minus strand). VCF-style: chr7-27100878-C-T. GRCh37 (hg19) VCF-style: chr7-27140497-C-T.
Other names: p.Val327Ile; short protein forms V327I.
Identifiers: ClinVar variation 911562 (VCV000911562.6), dbSNP rs143043350, ClinGen allele CA4196097.